The following is an entry in ClinVar:

NM_001942.4(DSG1):c.125A>G (p.His42Arg)

Gene: DSG1 (desmoglein 1; plus strand). Cytogenetic location: 18q12.1.
Variant type: single nucleotide variant.
Coding change: c.125A>G on transcript NM_001942.4 (MANE Select); coding-DNA position 125, A replaced by G.
Protein change: p.His42Arg; replaces histidine 42 with arginine.
Molecular consequence: missense variant.
Genome position (GRCh38, 1-based): chr18:31,326,914, A>G. VCF-style: chr18-31326914-A-G. GRCh37 (hg19) VCF-style: chr18-28906877-A-G.
Other names: short protein forms H42R.
Identifiers: ClinVar variation 3681206 (VCV003681206.2).

ClinVar aggregate classification (germline): Uncertain significance (1 of 4 stars; one submission).

gnomAD v4.1: 26 of 1,613,868 alleles (0.0016%); highest among the groups gnomAD compares: Non-Finnish European, 0.0022%; no homozygotes.

Submission:

Labcorp Genetics (formerly Invitae), Labcorp
Classification: Uncertain significance. Last evaluated: 2024-06-13. Review status: criteria provided, single submitter. Criteria: Invitae Variant Classification Sherloc (09022015). Collection method: clinical testing. Allele origin: germline.
Comment: This sequence change replaces histidine, which is basic and polar, with arginine, which is basic and polar, at codon 42 of the DSG1 protein (p.His42Arg). This variant is present in population databases (rs750452440, gnomAD 0.0009%). This variant has not been reported in the literature in individuals affected with DSG1-related conditions. Advanced modeling of protein sequence and biophysical properties (such as structural, functional, and spatial information, amino acid conservation, physicochemical variation, residue mobility, and thermodynamic stability) performed at Invitae indicates that this missense variant is not expected to disrupt DSG1 protein function with a negative predictive value of 80%. In summary, the available evidence is currently insufficient to determine the role of this variant in disease. Therefore, it has been classified as a Variant of Uncertain Significance.